The following is an entry in ClinVar:

NM_173630.4(RTTN):c.398A>T (p.Glu133Val)

Gene: RTTN (rotatin; minus strand). Cytogenetic location: 18q22.2.
Variant type: single nucleotide variant.
Coding change: c.398A>T on transcript NM_173630.4 (MANE Select); coding-DNA position 398, A replaced by T.
Protein change: p.Glu133Val; replaces glutamic acid 133 with valine.
Molecular consequence: missense variant. On other transcripts: 5 prime UTR variant (1).
Genome position (GRCh38, 1-based): chr18:70,201,983, T>A on the plus strand (A>T on the coding strand, the complement: RTTN is on the minus strand). VCF-style: chr18-70201983-T-A. GRCh37 (hg19) VCF-style: chr18-67869219-T-A.
Other names: c.-2156A>T (NM_001318520.2); short protein forms E133V.
Identifiers: ClinVar variation 2135506 (VCV002135506.4), dbSNP rs1445871192, ClinGen allele CA402700720.

ClinVar aggregate classification (germline): Uncertain significance (1 of 4 stars; one submission).

Allele frequency attached by ClinVar (database versions not stated): gnomAD exomes below 0.00001; TOPMed below 0.00001; gnomAD 0.00001.
gnomAD v4.1: 6 of 1,569,826 alleles (0.00038%); highest among the groups gnomAD compares: Non-Finnish European, 0.00053%; no homozygotes.

Submission:

Labcorp Genetics (formerly Invitae), Labcorp
Classification: Uncertain significance. Last evaluated: 2022-05-08. Review status: criteria provided, single submitter. Criteria: Invitae Variant Classification Sherloc (09022015). Collection method: clinical testing. Allele origin: germline.
Comment: This variant has not been reported in the literature in individuals affected with RTTN-related conditions. This variant is present in population databases (no rsID available, gnomAD 0.002%). This sequence change replaces glutamic acid, which is acidic and polar, with valine, which is neutral and non-polar, at codon 133 of the RTTN protein (p.Glu133Val). Algorithms developed to predict the effect of missense changes on protein structure and function are either unavailable or do not agree on the potential impact of this missense change (SIFT: "Deleterious"; PolyPhen-2: "Benign"; Align-GVGD: "Class C0"). In summary, the available evidence is currently insufficient to determine the role of this variant in disease. Therefore, it has been classified as a Variant of Uncertain Significance. Algorithms developed to predict the effect of sequence changes on RNA splicing suggest that this variant may disrupt the consensus splice site.